The following is an entry in ClinVar:

ClinVar aggregate classification (germline): Likely benign. Review status: criteria provided, multiple submitters, no conflicts (2 of 4 stars). 2 submissions from 2 submitters: Likely benign (2). Last evaluated 2025-01-23.

Conditions:
Birt-Hogg-Dube syndrome 1 (BHD1). Also called: FIBROFOLLICULOMAS WITH TRICHODISCOMAS AND ACROCHORDONS. Identifiers: Orphanet 122, MedGen CN375946, MONDO:0800445, OMIM 135150.
Birt-Hogg-Dube syndrome. Also called: Birt Hogg Dubé syndrome. Identifiers: Orphanet 122, MedGen C0346010, MONDO:0800444.

gnomAD v4.1: 3 of 1,570,012 alleles (0.00019%); highest among the groups gnomAD compares: East Asian, 0.0023%; no homozygotes.

Submissions (2):

Labcorp Genetics (formerly Invitae), Labcorp
Classification: Likely benign for Birt-Hogg-Dube syndrome. Last evaluated: 2025-01-23. Review status: criteria provided, single submitter. Criteria: Invitae Variant Classification Sherloc (09022015). Collection method: clinical testing. Allele origin: germline.

Myriad Genetics, Inc.
Classification: Likely benign for Birt-Hogg-Dube syndrome 1. Last evaluated: 2024-10-22. Review status: criteria provided, single submitter. Criteria: Myriad Autosomal Dominant, Autosomal Recessive and X-Linked Classification Criteria (2023). Collection method: clinical testing. Allele origin: unknown.
Comment: This variant is considered likely benign. This variant is intronic and is not expected to impact mRNA splicing.

NM_144997.7(FLCN):c.397-12G>A

Gene: FLCN (folliculin; minus strand). Cytogenetic location: 17p11.2.
Variant type: single nucleotide variant.
Coding change: c.397-12G>A on transcript NM_144997.7 (MANE Select); 12 bases into the intron before coding-DNA position 397, G replaced by A.
Molecular consequence: intron variant.
Genome position (GRCh38, 1-based): chr17:17,224,155, C>T on the plus strand (G>A on the coding strand, the complement: FLCN is on the minus strand). VCF-style: chr17-17224155-C-T. GRCh37 (hg19) VCF-style: chr17-17127469-C-T.
Other names: c.397-12G>A (NM_001353231.2, NM_001353230.2, NM_144606.7); c.451-12G>A (NM_001353229.2).
Identifiers: ClinVar variation 1653835 (VCV001653835.9), dbSNP rs199958635, ClinGen allele CA625015243.